The following is an entry in ClinVar:

ClinVar aggregate classification (germline): Uncertain significance. Review status: criteria provided, multiple submitters, no conflicts (2 of 4 stars). 2 submissions from 2 submitters: Uncertain significance (2). Last evaluated 2024-04-24.

Conditions:
Hennekam lymphangiectasia-lymphedema syndrome 2 (HKLLS2). Identifiers: Orphanet 2136, MedGen C4014939, MONDO:0014454, OMIM 616006.
Van Maldergem syndrome 2 (VMLDS2). Identifiers: Orphanet 314679, MedGen C3809875, MONDO:0014242, OMIM 615546.

Allele frequency attached by ClinVar (database versions not stated): gnomAD exomes below 0.00001; gnomAD 0.00001.
gnomAD v4.1: 3 of 1,613,910 alleles (0.00019%); highest among the groups gnomAD compares: African/African-American, 0.004%; no homozygotes.

Submissions (2):

Fulgent Genetics
Classification: Uncertain significance for Van Maldergem syndrome 2; Hennekam lymphangiectasia-lymphedema syndrome 2. Last evaluated: 2024-04-24. Review status: criteria provided, single submitter. Criteria: ACMG Guidelines, 2015. Collection method: clinical testing. Allele origin: germline.

GeneDx
Classification: Uncertain significance. Last evaluated: 2020-01-28. Review status: criteria provided, single submitter. Criteria: GeneDx Variant Classification Process June 2021. Collection method: clinical testing. Allele origin: germline. Affected: yes.
Comment: Not observed at a significant frequency in large population cohorts (Lek et al., 2016); Has not been previously published as pathogenic or benign to our knowledge; In silico analysis, which includes splice predictors and evolutionary conservation, suggests this variant may impact gene splicing. In the absence of RNA/functional studies, the actual effect of this sequence change is unknown.

NM_001291303.3(FAT4):c.6630C>G (p.Ala2210=)

Gene: FAT4 (FAT atypical cadherin 4; plus strand). Cytogenetic location: 4q28.1.
Variant type: single nucleotide variant.
Coding change: c.6630C>G on transcript NM_001291303.3 (MANE Select); coding-DNA position 6630, C replaced by G.
Protein change: p.Ala2210=; no amino-acid change (alanine 2210 retained).
Molecular consequence: synonymous variant.
Genome position (GRCh38, 1-based): chr4:125,415,593, C>G. VCF-style: chr4-125415593-C-G. GRCh37 (hg19) VCF-style: chr4-126336748-C-G.
Other names: c.6630C>G, p.Ala2210= (NM_001291285.3, NM_024582.6); c.6630C>G (NM_024582.5).
Identifiers: ClinVar variation 1314454 (VCV001314454.3), dbSNP rs1049419796, ClinGen allele CA104854266.